The following is an entry in ClinVar:

ClinVar aggregate classification (germline): Conflicting classifications of pathogenicity. Review status: criteria provided, conflicting classifications (1 of 4 stars). 3 submissions from 3 submitters: Uncertain significance (1); Likely benign (1). 1 of the submissions does not count toward it. Last evaluated 2022-06-27.

Conditions:
COL6A2-related disorder.
Bethlem myopathy 1A. Also called: MYOPATHY, BENIGN CONGENITAL, WITH CONTRACTURES; Bethlem myopathy 1; Bethlem Muscular Dystrophy. Identifiers: Orphanet 610, MedGen CN029274, MONDO:0024530, OMIM 158810.

Allele frequency attached by ClinVar (database versions not stated): gnomAD exomes 0.00001 and 0.00003; ExAC 0.00004; gnomAD 0.00009; TOPMed 0.00009; ESP Exome Variant Server 0.00015.
gnomAD v4.1: 25 of 1,612,762 alleles (0.0016%); highest among the groups gnomAD compares: African/African-American, 0.028%; no homozygotes.

Submissions (3):

Labcorp Genetics (formerly Invitae), Labcorp
Classification: Likely benign for Bethlem myopathy 1A. Last evaluated: 2022-06-27. Review status: criteria provided, single submitter. Criteria: Invitae Variant Classification Sherloc (09022015). Collection method: clinical testing. Allele origin: germline.

Eurofins Ntd Llc (ga)
Classification: Uncertain significance. Last evaluated: 2018-02-13. Review status: criteria provided, single submitter. Criteria: EGL ClinVar v180209 classification definitions. Collection method: clinical testing. Allele origin: germline. Observed: 1 variant allele, 1 heterozygote.

PreventionGenetics, part of Exact Sciences
Classification: Likely benign for COL6A2-related condition. Last evaluated: 2024-06-12. Review status: no assertion criteria provided. Collection method: clinical testing. Allele origin: germline. Not counted in ClinVar's aggregate classification.
Comment: This variant is classified as likely benign based on ACMG/AMP sequence variant interpretation guidelines (Richards et al. 2015 PMID: 25741868, with internal and published modifications).

NM_001849.4(COL6A2):c.999+10G>T

Gene: COL6A2 (collagen type VI alpha 2 chain; plus strand). Cytogenetic location: 21q22.3.
Variant type: single nucleotide variant.
Coding change: c.999+10G>T on transcript NM_001849.4 (MANE Select); 10 bases into the intron after coding-DNA position 999, G replaced by T.
Molecular consequence: intron variant.
Genome position (GRCh38, 1-based): chr21:46,116,824, G>T. VCF-style: chr21-46116824-G-T. GRCh37 (hg19) VCF-style: chr21-47536738-G-T.
Other names: c.999+10G>T (NM_058175.3, NM_058174.3).
Identifiers: ClinVar variation 595989 (VCV000595989.21), dbSNP rs376378709, ClinGen allele CA10071607.